The following is an entry in ClinVar:

ClinVar aggregate classification (germline): Likely benign. Review status: criteria provided, multiple submitters, no conflicts (2 of 4 stars). 2 submissions from 2 submitters: Likely benign (2). Last evaluated 2025-03-17.

Conditions:
Neuronopathy, distal hereditary motor, type 7B. Also called: NEURONOPATHY, DISTAL HEREDITARY MOTOR, AUTOSOMAL DOMINANT 14; NEURONOPATHY, DISTAL HEREDITARY MOTOR, HARDING TYPE VIIB; NEUROPATHY, DISTAL HEREDITARY MOTOR, HARDING TYPE VIIB; NEUROPATHY, DISTAL HEREDITARY MOTOR, WITH VOCAL CORD PARALYSIS, HARDING TYPE VIIB; HMN VIIB; LOWER MOTOR NEURON DISEASE, DYNACTIN TYPE. Identifiers: Orphanet 139589, MedGen C1843315, MONDO:0011879, OMIM 607641.
Perry syndrome. Also called: PARKINSONISM WITH ALVEOLAR HYPOVENTILATION AND MENTAL DEPRESSION. Identifiers: Orphanet 178509, MedGen C1868594, MONDO:0008201, OMIM 168605.
Amyotrophic lateral sclerosis type 1 (ALS1). Also called: AMYOTROPHIC LATERAL SCLEROSIS 1, FAMILIAL. Identifiers: Orphanet 803, MedGen C1862939, MONDO:0007103, OMIM 105400.

Allele frequency attached by ClinVar (database versions not stated): TOPMed below 0.00001; gnomAD 0.00001.

Submissions (2):

Mayo Clinic Laboratories, Mayo Clinic
Classification: Likely benign. Last evaluated: 2025-03-17. Review status: criteria provided, single submitter. Criteria: ACMG Guidelines, 2015. Collection method: clinical testing. Allele origin: germline. Observed: 1 variant allele.
Comment: BP4, BP7

Labcorp Genetics (formerly Invitae), Labcorp
Classification: Likely benign for Amyotrophic lateral sclerosis type 1; Neuronopathy, distal hereditary motor, type 7B; Perry syndrome. Last evaluated: 2020-01-08. Review status: criteria provided, single submitter. Criteria: Invitae Variant Classification Sherloc (09022015). Collection method: clinical testing. Allele origin: germline.

NM_004082.5(DCTN1):c.279+10C>T

Gene: DCTN1 (dynactin subunit 1; minus strand). Cytogenetic location: 2p13.1.
Variant type: single nucleotide variant.
Coding change: c.279+10C>T on transcript NM_004082.5 (MANE Select); 10 bases into the intron after coding-DNA position 279, C replaced by T.
Molecular consequence: intron variant.
Genome position (GRCh38, 1-based): chr2:74,377,990, G>A on the plus strand (C>T on the coding strand, the complement: DCTN1 is on the minus strand). VCF-style: chr2-74377990-G-A. GRCh37 (hg19) VCF-style: chr2-74605117-G-A.
Other names: p.?; c.228+10C>T (NM_001190836.2, NM_001378992.1, NM_001378991.1); c.279+10C>T (NM_001135040.3, NM_001190837.2).
Identifiers: ClinVar variation 761207 (VCV000761207.12), dbSNP rs1433805841, ClinGen allele CA892924091.
Genomic context (GRCh38, chr2:74,377,990, plus strand): 5'-CCAACACATCAGCTGCACATGCGACAGACATGTGCACACATGCACAGACACAAAAGAAGG[G>A]CGTGAATACCTGGGACTGGCGCACAAAGATGCCATGCCCTTCATCACAAGTGAAGTACTT-3'